The following is an entry in ClinVar:

NM_001010867.4(IBA57):c.688G>A (p.Glu230Lys)

Gene: IBA57 (iron-sulfur cluster assembly factor IBA57; plus strand). Cytogenetic location: 1q42.13.
Variant type: single nucleotide variant.
Coding change: c.688G>A on transcript NM_001010867.4 (MANE Select); coding-DNA position 688, G replaced by A.
Protein change: p.Glu230Lys; replaces glutamic acid 230 with lysine.
Molecular consequence: missense variant.
Genome position (GRCh38, 1-based): chr1:228,175,130, G>A. VCF-style: chr1-228175130-G-A. GRCh37 (hg19) VCF-style: chr1-228362831-G-A.
Other names: c.109G>A, p.Glu37Lys (NM_001310327.2); short protein forms E230K, E37K.
Identifiers: ClinVar variation 3384255 (VCV003384255.1).

ClinVar aggregate classification (germline): Uncertain significance (1 of 4 stars; one submission).

Submission:

GeneDx
Classification: Uncertain significance. Last evaluated: 2024-06-07. Review status: criteria provided, single submitter. Criteria: GeneDx Variant Classification Process June 2021. Collection method: clinical testing. Allele origin: germline. Affected: yes.
Comment: Not observed at significant frequency in large population cohorts (gnomAD); In silico analysis supports that this missense variant has a deleterious effect on protein structure/function; Has not been previously published as pathogenic or benign to our knowledge